The following is an entry in ClinVar:

NM_182961.4(SYNE1):c.4946C>T (p.Ala1649Val)

Gene: SYNE1 (spectrin repeat containing nuclear envelope protein 1; minus strand). Cytogenetic location: 6q25.2.
Variant type: single nucleotide variant.
Coding change: c.4946C>T on transcript NM_182961.4 (MANE Select); coding-DNA position 4946, C replaced by T.
Protein change: p.Ala1649Val; replaces alanine 1649 with valine.
Molecular consequence: missense variant.
Genome position (GRCh38, 1-based): chr6:152,428,235, G>A on the plus strand (C>T on the coding strand, the complement: SYNE1 is on the minus strand). VCF-style: chr6-152428235-G-A. GRCh37 (hg19) VCF-style: chr6-152749370-G-A.
Other names: p.Ala1656Val; c.4967C>T, p.Ala1656Val (NM_033071.5); short protein forms A1649V, A1656V.
Identifiers: ClinVar variation 2682961 (VCV002682961.1), dbSNP rs781768971, ClinGen allele CA150217867.
Genomic context (GRCh38, chr6:152,428,235, plus strand): 5'-TGCAGCAACTCAAGGAAAAGTGCTGCTCACCTCTGCCAGTGGGCCAGCAGATTCTCCAGC[G>A]CCGTCTGTCTCTCCTTCGCCCTCCTTAGGATGTCCTCGTATTGCTGCTGTAGAGCCGCAG-3'
Protein context (NP_892006.3, residues 1639-1659): ILRRAKERQT[Ala1649Val]LENLLAHWQR

ClinVar aggregate classification (germline): Uncertain significance (1 of 4 stars; one submission).

gnomAD v4.1: 20 of 1,613,772 alleles (0.0012%); highest among the groups gnomAD compares: Non-Finnish European, 0.0016%; no homozygotes.

Submission:

Mayo Clinic Laboratories, Mayo Clinic
Classification: Uncertain significance. Last evaluated: 2022-12-27. Review status: criteria provided, single submitter. Criteria: ACMG Guidelines, 2015. Collection method: clinical testing. Allele origin: germline. Observed: 1 variant allele.
Comment: BP4